The following is an entry in ClinVar:

NM_002691.4(POLD1):c.2510G>A (p.Cys837Tyr)

Gene: POLD1 (DNA polymerase delta 1, catalytic subunit; plus strand). Cytogenetic location: 19q13.33.
Variant type: single nucleotide variant.
Coding change: c.2510G>A on transcript NM_002691.4 (MANE Select); coding-DNA position 2510, G replaced by A.
Protein change: p.Cys837Tyr; replaces cysteine 837 with tyrosine.
Molecular consequence: missense variant. On other transcripts: non-coding transcript variant (1).
Genome position (GRCh38, 1-based): chr19:50,414,936, G>A. VCF-style: chr19-50414936-G-A. GRCh37 (hg19) VCF-style: chr19-50918193-G-A.
Other names: c.2510G>A, p.Cys837Tyr (NM_001256849.1); c.2588G>A, p.Cys863Tyr (NM_001308632.1); c.2510G>A (NM_002691.2); short protein forms C863Y, C837Y.
Identifiers: ClinVar variation 537125 (VCV000537125.9), dbSNP rs1555792877, ClinGen allele CA406985153.
Genomic context (GRCh38, chr19:50,414,936, plus strand): 5'-GGCCCGACGCCCACGACCGCATGGACTGCAAGGGCCTGGAGGCCGTGCGCAGGGACAACT[G>A]CCCCCTCGTGGCCAACCTGGTCACTGCCTCACTGCGCCGCCTGCTCATCGACCGGTGTGT-3'
Protein context (NP_002682.2, residues 827-847): KGLEAVRRDN[Cys837Tyr]PLVANLVTAS

ClinVar aggregate classification (germline): Uncertain significance. Review status: criteria provided, multiple submitters, no conflicts (2 of 4 stars). 2 submissions from 2 submitters: Uncertain significance (2). Last evaluated 2023-08-10.

Conditions:
POLD1-related polyposis and colorectal cancer syndrome (CRCS10). Also called: Colorectal cancer 10; COLORECTAL CANCER, SUSCEPTIBILITY TO, ON CHROMOSOME 19q; Colorectal cancer, susceptibility to, 10. Identifiers: Orphanet 220460, MedGen C2675481, MONDO:0012953, OMIM 612591.
Hereditary cancer-predisposing syndrome. Also called: Tumor predisposition; Neoplastic Syndromes, Hereditary; Hereditary Cancer Syndrome; Hereditary neoplastic syndrome. Identifiers: Orphanet 140162, MedGen C0027672, MeSH D009386, MONDO:0015356.

Allele frequency attached by ClinVar (database versions not stated): gnomAD exomes below 0.00001.
gnomAD v4.1: 1 of 1,608,648 alleles (0.000062%); highest among the groups gnomAD compares: Non-Finnish European, 0.000085%; no homozygotes.

Submissions (2):

Labcorp Genetics (formerly Invitae), Labcorp
Classification: Uncertain significance for POLD1-related polyposis and colorectal cancer syndrome. Last evaluated: 2023-08-10. Review status: criteria provided, single submitter. Criteria: Invitae Variant Classification Sherloc (09022015). Collection method: clinical testing. Allele origin: germline.
Comment: This sequence change replaces cysteine, which is neutral and slightly polar, with tyrosine, which is neutral and polar, at codon 837 of the POLD1 protein (p.Cys837Tyr). In summary, the available evidence is currently insufficient to determine the role of this variant in disease. Therefore, it has been classified as a Variant of Uncertain Significance. Advanced modeling of protein sequence and biophysical properties (such as structural, functional, and spatial information, amino acid conservation, physicochemical variation, residue mobility, and thermodynamic stability) performed at Invitae indicates that this missense variant is expected to disrupt POLD1 protein function. ClinVar contains an entry for this variant (Variation ID: 537125). This variant has not been reported in the literature in individuals affected with POLD1-related conditions. This variant is not present in population databases (gnomAD no frequency).

Ambry Genetics
Classification: Uncertain significance for Hereditary cancer-predisposing syndrome. Last evaluated: 2023-02-09. Review status: criteria provided, single submitter. Criteria: Ambry Variant Classification Scheme 2023. Collection method: clinical testing. Allele origin: germline.
Comment: The p.C837Y variant (also known as c.2510G>A), located in coding exon 19 of the POLD1 gene, results from a G to A substitution at nucleotide position 2510. The cysteine at codon 837 is replaced by tyrosine, an amino acid with highly dissimilar properties. This amino acid position is conserved. In addition, the in silico prediction for this alteration is inconclusive. Since supporting evidence is limited at this time, the clinical significance of this alteration remains unclear.